The following is an entry in ClinVar:

ClinVar aggregate classification (germline): Uncertain significance (1 of 4 stars; one submission).

Allele frequency attached by ClinVar (database versions not stated): gnomAD exomes below 0.00001.
gnomAD v4.1: 1 of 1,612,858 alleles (0.000062%); highest among the groups gnomAD compares: East Asian, 0.0022%; no homozygotes.

Submission:

Labcorp Genetics (formerly Invitae), Labcorp
Classification: Uncertain significance. Last evaluated: 2024-10-30. Review status: criteria provided, single submitter. Criteria: Invitae Variant Classification Sherloc (09022015). Collection method: clinical testing. Allele origin: germline.
Comment: This sequence change replaces glutamine, which is neutral and polar, with glutamic acid, which is acidic and polar, at codon 1663 of the ASPM protein (p.Gln1663Glu). This variant is not present in population databases (gnomAD no frequency). This variant has not been reported in the literature in individuals affected with ASPM-related conditions. ClinVar contains an entry for this variant (Variation ID: 2814342). Invitae Evidence Modeling of protein sequence and biophysical properties (such as structural, functional, and spatial information, amino acid conservation, physicochemical variation, residue mobility, and thermodynamic stability) has been performed for this missense variant. However, the output from this modeling did not meet the statistical confidence thresholds required to predict the impact of this variant on ASPM protein function. In summary, the available evidence is currently insufficient to determine the role of this variant in disease. Therefore, it has been classified as a Variant of Uncertain Significance.

NM_018136.5(ASPM):c.4987C>G (p.Gln1663Glu)

Gene: ASPM (assembly factor for spindle microtubules; minus strand). Cytogenetic location: 1q31.3.
Variant type: single nucleotide variant.
Coding change: c.4987C>G on transcript NM_018136.5 (MANE Select); coding-DNA position 4987, C replaced by G.
Protein change: p.Gln1663Glu; replaces glutamine 1663 with glutamic acid.
Molecular consequence: missense variant. On other transcripts: intron variant (1).
Genome position (GRCh38, 1-based): chr1:197,104,264, G>C on the plus strand (C>G on the coding strand, the complement: ASPM is on the minus strand). VCF-style: chr1-197104264-G-C. GRCh37 (hg19) VCF-style: chr1-197073394-G-C.
Other names: c.4066-8100C>G (NM_001206846.2); short protein forms Q1663E.
Identifiers: ClinVar variation 2814342 (VCV002814342.3), dbSNP rs2527303355, ClinGen allele CA344028224.
Genomic context (GRCh38, chr1:197,104,264, plus strand): 5'-TTGTAGCATTTTTTAGGCTCAAAAATTCCTTTTTAGAAACATAAGCACGATAATATGATT[G>C]AATCTTTATAACAGATGTGAGGATGTGAATATACATTTTCCTGGCTTGCATCCCTCTATA-3'
Protein context (NP_060606.3, residues 1653-1673): IHILTSVIKI[Gln1663Glu]SYYRAYVSKK